The following is an entry in ClinVar:

ClinVar aggregate classification (germline): Uncertain significance (1 of 4 stars; one submission).

gnomAD v4.1: 3 of 1,614,024 alleles (0.00019%); highest among the groups gnomAD compares: Non-Finnish European, 0.00025%; no homozygotes.

Submission:

Mayo Clinic Laboratories, Mayo Clinic
Classification: Uncertain significance. Last evaluated: 2025-09-24. Review status: criteria provided, single submitter. Criteria: ACMG Guidelines, 2015. Collection method: clinical testing. Allele origin: germline. Observed: 1 variant allele.
Comment: PM2_supporting

NM_002336.3(LRP6):c.2362C>T (p.Pro788Ser)

Gene: LRP6 (LDL receptor related protein 6; minus strand). Cytogenetic location: 12p13.2.
Variant type: single nucleotide variant.
Coding change: c.2362C>T on transcript NM_002336.3 (MANE Select); coding-DNA position 2362, C replaced by T.
Protein change: p.Pro788Ser; replaces proline 788 with serine.
Molecular consequence: missense variant. On other transcripts: non-coding transcript variant (1).
Genome position (GRCh38, 1-based): chr12:12,159,882, G>A on the plus strand (C>T on the coding strand, the complement: LRP6 is on the minus strand). VCF-style: chr12-12159882-G-A. GRCh37 (hg19) VCF-style: chr12-12312816-G-A.
Other names: p.Pro788Ser; c.2362C>T, p.Pro788Ser (NM_001414244.1, NM_001414245.1, NM_001414246.1 and 4 more transcripts); c.2164C>T, p.Pro722Ser (NM_001414247.1); c.1909C>T, p.Pro637Ser (NM_001414252.1, NM_001414253.1, NM_001414254.1); c.1855C>T, p.Pro619Ser (NM_001414255.1); short protein forms P637S, P788S, P722S, P619S.
Identifiers: ClinVar variation 4541699 (VCV004541699.1).